The following is an entry in ClinVar:

NM_022167.4(XYLT2):c.1820C>T (p.Thr607Met)

Gene: XYLT2 (xylosyltransferase 2; plus strand). Cytogenetic location: 17q21.33.
Variant type: single nucleotide variant.
Coding change: c.1820C>T on transcript NM_022167.4 (MANE Select); coding-DNA position 1820, C replaced by T.
Protein change: p.Thr607Met; replaces threonine 607 with methionine.
Molecular consequence: missense variant.
Genome position (GRCh38, 1-based): chr17:50,357,131, C>T. VCF-style: chr17-50357131-C-T. GRCh37 (hg19) VCF-style: chr17-48434492-C-T.
Other names: short protein forms T607M.
Identifiers: ClinVar variation 1410083 (VCV001410083.5), dbSNP rs138319215, ClinGen allele CA8646572.

ClinVar aggregate classification (germline): Uncertain significance (1 of 4 stars; one submission).

Allele frequency attached by ClinVar (database versions not stated): gnomAD exomes 0.00003 and 0.00005; ExAC 0.00005; gnomAD 0.00007; TOPMed 0.00010; ESP Exome Variant Server 0.00015.
gnomAD v4.1: 52 of 1,613,702 alleles (0.0032%); highest among the groups gnomAD compares: African/African-American, 0.021%; 1 homozygote.

Submission:

Labcorp Genetics (formerly Invitae), Labcorp
Classification: Uncertain significance. Last evaluated: 2025-07-21. Review status: criteria provided, single submitter. Criteria: Invitae Variant Classification Sherloc (09022015). Collection method: clinical testing. Allele origin: germline.
Comment: This sequence change replaces threonine, which is neutral and polar, with methionine, which is neutral and non-polar, at codon 607 of the XYLT2 protein (p.Thr607Met). This variant is present in population databases (rs138319215, gnomAD 0.03%), including at least one homozygous and/or hemizygous individual. This variant has not been reported in the literature in individuals affected with XYLT2-related conditions. ClinVar contains an entry for this variant (Variation ID: 1410083). Invitae Evidence Modeling of protein sequence and biophysical properties (such as structural, functional, and spatial information, amino acid conservation, physicochemical variation, residue mobility, and thermodynamic stability) indicates that this missense variant is not expected to disrupt XYLT2 protein function with a negative predictive value of 80%. In summary, the available evidence is currently insufficient to determine the role of this variant in disease. Therefore, it has been classified as a Variant of Uncertain Significance.